The following is an entry in ClinVar:

NM_001394998.1(TANC2):c.3453G>C (p.Gln1151His)

Genes: TANC2 (tetratricopeptide repeat, ankyrin repeat and coiled-coil containing 2; plus strand), LOC105371856 (uncharacterized LOC105371856; minus strand). Cytogenetic location: 17q23.3.
Variant type: single nucleotide variant.
Coding change: c.3453G>C on transcript NM_001394998.1 (MANE Select); coding-DNA position 3453, G replaced by C.
Protein change: p.Gln1151His; replaces glutamine 1151 with histidine.
Molecular consequence: missense variant.
Genome position (GRCh38, 1-based): chr17:63,405,243, G>C. VCF-style: chr17-63405243-G-C. GRCh37 (hg19) VCF-style: chr17-61482604-G-C.
Other names: c.3231G>C, p.Gln1077His (NM_025185.4); short protein forms Q1077H, Q1151H.
Identifiers: ClinVar variation 978141 (VCV000978141.3), dbSNP rs2048465506, ClinGen allele CA400535792.

ClinVar aggregate classification (germline): Uncertain significance (1 of 4 stars; one submission).

Conditions:
Intellectual developmental disorder with autistic features and language delay, with or without seizures. Identifiers: MedGen C5394447, MONDO:0030051, OMIM 618906.

Submission:

New York Genome Center
Classification: Uncertain significance for Intellectual developmental disorder with autistic features and language delay, with or without seizures. Last evaluated: 2020-03-27. Review status: criteria provided, single submitter. Criteria: NYGC Assertion Criteria 2020. Collection method: clinical testing. Allele origin: de novo. Observed: 1 heterozygote. Study: CSER-NYCKidSeq.
Comment: The c.3231G>C (p.Gln1077His) apparently de novo missense variant in exon19 of 26 of TANC2 has not been reported in affected individuals in the available literature. This variant is not present in gnomAD indicating it is not a common benign variant in the populations represented in this database. The missense change is localized in one of the ankyrin repeats of the TANC2 protein and In silico predictors suggest this variant is Neutral (Provean; score: -2.37) and Tolerated (SIFT; score: 0.069). Given the conflicting evidence regarding its pathogenicity, the c.3231G>C (p.Gln1077His) variant identified in the TANC2 gene of this individual is reported here as a Variant of Uncertain Significance.